The following is an entry in ClinVar:

ClinVar aggregate classification (germline): Conflicting classifications of pathogenicity. Review status: criteria provided, conflicting classifications (1 of 4 stars). 8 submissions from 7 submitters: Uncertain significance (2); Likely benign (3). 3 of the submissions do not count toward it. Last evaluated 2026-01-02.

Conditions:
Fibrochondrogenesis 1 (FBCG1). Identifiers: Orphanet 2021, MedGen C3278138, MONDO:0009226, OMIM 228520.
COL11A1-related disorder. Also called: COL11A1-related disorders; COL11A1-related condition.
Stickler syndrome type 2 (STL2). Also called: COL11A1-Related Stickler Syndrome; STICKLER SYNDROME, TYPE II; STICKLER SYNDROME, BEADED VITREOUS TYPE; STICKLER SYNDROME, VITREOUS TYPE 2. Identifiers: Orphanet 828, Orphanet 90654, MedGen C1858084, MONDO:0011493, OMIM 604841.

Allele frequency attached by ClinVar (database versions not stated): ExAC 0.00014; gnomAD exomes 0.00014 and 0.00021; gnomAD 0.00017 and 0.00018; TOPMed 0.00017; ESP Exome Variant Server 0.00023.
gnomAD v4.1: 332 of 1,611,844 alleles (0.021%); highest among the groups gnomAD compares: Non-Finnish European, 0.027%; no homozygotes.

Submissions (8):

Labcorp Genetics (formerly Invitae), Labcorp
Classification: Likely benign. Last evaluated: 2026-01-02. Review status: criteria provided, single submitter. Criteria: Invitae Variant Classification Sherloc (09022015). Collection method: clinical testing. Allele origin: germline.

Blueprint Genetics
Classification: Likely benign. Last evaluated: 2024-10-18. Review status: criteria provided, single submitter. Criteria: ACMG Guidelines, 2015. Collection method: clinical testing. Allele origin: germline.

GeneDx
Classification: Likely benign. Last evaluated: 2020-08-14. Review status: criteria provided, single submitter. Criteria: GeneDx Variant Classification Process June 2021. Collection method: clinical testing. Allele origin: germline. Affected: yes.
Comment: Has not been previously published as pathogenic or benign to our knowledge

Illumina Laboratory Services, Illumina
Classification: Uncertain significance for Stickler syndrome type 2. Last evaluated: 2018-01-12. Review status: criteria provided, single submitter. Criteria: ICSL Variant Classification Criteria 13 December 2019. Collection method: clinical testing. Allele origin: germline.

Illumina Laboratory Services, Illumina
Classification: Uncertain significance for Fibrochondrogenesis 1. Last evaluated: 2018-01-12. Review status: criteria provided, single submitter. Criteria: ICSL Variant Classification Criteria 13 December 2019. Collection method: clinical testing. Allele origin: germline.

PreventionGenetics, part of Exact Sciences
Classification: Likely benign for COL11A1-related condition. Last evaluated: 2019-03-22. Review status: no assertion criteria provided. Collection method: clinical testing. Allele origin: germline. Not counted in ClinVar's aggregate classification.
Comment: This variant is classified as likely benign based on ACMG/AMP sequence variant interpretation guidelines (Richards et al. 2015 PMID: 25741868, with internal and published modifications).

Clinical Genetics, Academic Medical Center
Classification: Likely benign. Review status: no assertion criteria provided. Collection method: clinical testing. Allele origin: germline. Affected: yes. Study: VKGL Data-share Consensus. Not counted in ClinVar's aggregate classification.

Genome Diagnostics Laboratory, Amsterdam University Medical Center
Classification: Likely benign. Review status: no assertion criteria provided. Collection method: clinical testing. Allele origin: germline. Affected: yes. Study: VKGL Data-share Consensus. Not counted in ClinVar's aggregate classification.

NM_001854.4(COL11A1):c.318A>G (p.Lys106=)

Gene: COL11A1 (collagen type XI alpha 1 chain; minus strand). Cytogenetic location: 1p21.1.
Variant type: single nucleotide variant.
Coding change: c.318A>G on transcript NM_001854.4 (MANE Select); coding-DNA position 318, A replaced by G.
Protein change: p.Lys106=; no amino-acid change (lysine 106 retained).
Molecular consequence: synonymous variant. On other transcripts: non-coding transcript variant (1).
Genome position (GRCh38, 1-based): chr1:103,078,828, T>C on the plus strand (A>G on the coding strand, the complement: COL11A1 is on the minus strand). VCF-style: chr1-103078828-T-C. GRCh37 (hg19) VCF-style: chr1-103544384-T-C.
Other names: c.318A>G, p.Lys106= (NM_001190709.2, NM_080629.3, NM_080630.4).
Identifiers: ClinVar variation 291549 (VCV000291549.20), dbSNP rs150668398, ClinGen allele CA975483.